The following is an entry in ClinVar:

ClinVar aggregate classification (germline): Uncertain significance. Review status: criteria provided, multiple submitters, no conflicts (2 of 4 stars). 2 submissions from 2 submitters: Uncertain significance (2). Last evaluated 2025-07-03.

Conditions:
Multiple endocrine neoplasia type 4. Also called: MULTIPLE ENDOCRINE NEOPLASIA, TYPE IV. Identifiers: Orphanet 276152, MedGen C1970712, MONDO:0012552, OMIM 610755.
Hereditary cancer-predisposing syndrome. Also called: Neoplastic Syndromes, Hereditary; Tumor predisposition; Hereditary Cancer Syndrome; Hereditary neoplastic syndrome. Identifiers: Orphanet 140162, MedGen C0027672, MeSH D009386, MONDO:0015356.

Submissions (2):

Ambry Genetics
Classification: Uncertain significance for Hereditary cancer-predisposing syndrome. Last evaluated: 2025-07-03. Review status: criteria provided, single submitter. Criteria: Ambry Variant Classification Scheme 2023. Collection method: clinical testing. Allele origin: germline.
Comment: The p.T198P variant (also known as c.592A>C), located in coding exon 2 of the CDKN1B gene, results from an A to C substitution at nucleotide position 592. The threonine at codon 198 is replaced by proline, an amino acid with highly similar properties. This amino acid position is highly conserved in available vertebrate species. In addition, the in silico prediction for this alteration is inconclusive. Based on the available evidence, the clinical significance of this variant remains unclear.

Labcorp Genetics (formerly Invitae), Labcorp
Classification: Uncertain significance for Multiple endocrine neoplasia type 4. Last evaluated: 2017-09-19. Review status: criteria provided, single submitter. Criteria: Invitae Variant Classification Sherloc (09022015). Collection method: clinical testing. Allele origin: germline.
Comment: In summary, the available evidence is currently insufficient to determine the role of this variant in disease. Therefore, it has been classified as a Variant of Uncertain Significance. Algorithms developed to predict the effect of missense changes on protein structure and function do not agree on the potential impact of this missense change (PolyPhen-2: "Probably Damaging"; Align-GVGD: "Class C25"). This variant has not been reported in the literature in individuals with CDKN1B-related disease. This variant is not present in population databases (ExAC no frequency). This sequence change replaces threonine with proline at codon 198 of the CDKN1B protein (p.Thr198Pro). The threonine residue is highly conserved and there is a small physicochemical difference between threonine and proline.

NM_004064.5(CDKN1B):c.592A>C (p.Thr198Pro)

Gene: CDKN1B (cyclin dependent kinase inhibitor 1B; plus strand). Cytogenetic location: 12p13.1.
Variant type: single nucleotide variant.
Coding change: c.592A>C on transcript NM_004064.5 (MANE Select); coding-DNA position 592, A replaced by C.
Protein change: p.Thr198Pro; replaces threonine 198 with proline.
Molecular consequence: missense variant.
Genome position (GRCh38, 1-based): chr12:12,718,941, A>C. VCF-style: chr12-12718941-A-C. GRCh37 (hg19) VCF-style: chr12-12871875-A-C.
Other names: c.592A>C (NM_004064.3); short protein forms T198P.
Identifiers: ClinVar variation 536836 (VCV000536836.9), dbSNP rs1555085730, ClinGen allele CA383973232.